The following is an entry in ClinVar:

NM_031407.7(HUWE1):c.578C>A (p.Pro193His)

Gene: HUWE1 (HECT, UBA and WWE domain containing E3 ubiquitin protein ligase 1; minus strand). Cytogenetic location: Xp11.22.
Variant type: single nucleotide variant.
Coding change: c.578C>A on transcript NM_031407.7 (MANE Select); coding-DNA position 578, C replaced by A.
Protein change: p.Pro193His; replaces proline 193 with histidine.
Molecular consequence: missense variant.
Genome position (GRCh38, 1-based): chrX:53,632,554, G>T on the plus strand (C>A on the coding strand, the complement: HUWE1 is on the minus strand). VCF-style: chrX-53632554-G-T. GRCh37 (hg19) VCF-style: chrX-53659506-G-T.
Other names: c.578C>A, p.Pro193His (NM_001441048.1, NM_001441049.1, NM_001441050.1 and 8 more transcripts); short protein forms P193H.
Identifiers: ClinVar variation 4997444 (VCV004997444.1).
Genomic context (GRCh38, chrX:53,632,554, plus strand): 5'-TCAATTTTGACCTCGGCCCCAGGATCTGCATAGAATTCAAAGTGTAGTGTAGTTGCACTG[G>T]GTGGATATTTCTGTGTATAAAGCACATCAAAGAATCAGACATTGAGTTTCAACTGATTAT-3'
Protein context (NP_113584.3, residues 183-203): CRDLHMMKYP[Pro193His]SATTLHFEFY

ClinVar aggregate classification (germline): Uncertain significance (1 of 4 stars; one submission).

Conditions:
HUWE1-related disorder. Also called: HUWE1-related condition.

Submission:

PreventionGenetics, part of Exact Sciences
Classification: Uncertain significance for HUWE1-related condition. Last evaluated: 2025-02-13. Review status: criteria provided, single submitter. Criteria: ACMG Guidelines, 2015. Collection method: clinical testing. Allele origin: germline.
Comment: The HUWE1 c.578C>A variant is predicted to result in the amino acid substitution p.Pro193His. To our knowledge, this variant has not been reported in the literature or in a large population database (gnomAD), indicating this variant is rare. At this time, the clinical significance of this variant is uncertain due to the absence of conclusive functional and genetic evidence.